The following is an entry in ClinVar:

ClinVar aggregate classification (germline): Uncertain significance. Review status: criteria provided, multiple submitters, no conflicts (2 of 4 stars). 2 submissions from 2 submitters: Uncertain significance (2). Last evaluated 2023-03-03.

Conditions:
Familial cancer of breast. Also called: Hereditary breast cancer; hereditary breast carcinoma; BREAST CANCER, FAMILIAL. Identifiers: Orphanet 227535, MedGen C0346153, MONDO:0016419, OMIM 114480. Disease mechanism: loss of function.
Fanconi anemia complementation group J. Also called: BRIP1-Related Fanconi Anemia. Identifiers: Orphanet 84, MedGen C1836860, MONDO:0012187, OMIM 609054.

Submissions (2):

Labcorp Genetics (formerly Invitae), Labcorp
Classification: Uncertain significance for Familial cancer of breast; Fanconi anemia complementation group J. Last evaluated: 2023-03-03. Review status: criteria provided, single submitter. Criteria: Invitae Variant Classification Sherloc (09022015). Collection method: clinical testing. Allele origin: germline.
Comment: This sequence change replaces serine, which is neutral and polar, with proline, which is neutral and non-polar, at codon 85 of the BRIP1 protein (p.Ser85Pro). This variant is not present in population databases (gnomAD no frequency). This variant has not been reported in the literature in individuals affected with BRIP1-related conditions. ClinVar contains an entry for this variant (Variation ID: 1320914). Advanced modeling of protein sequence and biophysical properties (such as structural, functional, and spatial information, amino acid conservation, physicochemical variation, residue mobility, and thermodynamic stability) performed at Invitae indicates that this missense variant is not expected to disrupt BRIP1 protein function. In summary, the available evidence is currently insufficient to determine the role of this variant in disease. Therefore, it has been classified as a Variant of Uncertain Significance.

GeneDx
Classification: Uncertain significance. Last evaluated: 2020-02-21. Review status: criteria provided, single submitter. Criteria: GeneDx Variant Classification Process June 2021. Collection method: clinical testing. Allele origin: germline. Affected: yes.
Comment: Not observed in large population cohorts (Lek 2016); In silico analysis supports that this missense variant does not alter protein structure/function; Has not been previously published as pathogenic or benign to our knowledge

NM_032043.3(BRIP1):c.253T>C (p.Ser85Pro)

Gene: BRIP1 (BRCA1 interacting DNA helicase 1; minus strand). Cytogenetic location: 17q23.2.
Variant type: single nucleotide variant.
Coding change: c.253T>C on transcript NM_032043.3 (MANE Select); coding-DNA position 253, T replaced by C.
Protein change: p.Ser85Pro; replaces serine 85 with proline.
Molecular consequence: missense variant.
Genome position (GRCh38, 1-based): chr17:61,857,184, A>G on the plus strand (T>C on the coding strand, the complement: BRIP1 is on the minus strand). VCF-style: chr17-61857184-A-G. GRCh37 (hg19) VCF-style: chr17-59934545-A-G.
Other names: short protein forms S85P.
Identifiers: ClinVar variation 1320914 (VCV001320914.5), dbSNP rs2145830182, ClinGen allele CA400485527.